The following is an entry in ClinVar:

NM_000404.4(GLB1):c.1313G>T (p.Gly438Val)

Gene: GLB1 (galactosidase beta 1; minus strand). Cytogenetic location: 3p22.3.
Variant type: single nucleotide variant.
Coding change: c.1313G>T on transcript NM_000404.4 (MANE Select); coding-DNA position 1313, G replaced by T.
Protein change: p.Gly438Val; replaces glycine 438 with valine.
Molecular consequence: missense variant.
Genome position (GRCh38, 1-based): chr3:33,018,482, C>A on the plus strand (G>T on the coding strand, the complement: GLB1 is on the minus strand). VCF-style: chr3-33018482-C-A. GRCh37 (hg19) VCF-style: chr3-33059974-C-A.
Other names: c.920G>T, p.Gly307Val (NM_001135602.3); c.1457G>T, p.Gly486Val (NM_001317040.2); c.1313G>T, p.Gly438Val (NM_001393580.1); c.1223G>T, p.Gly408Val (NM_001079811.3); short protein forms G307V, G408V, G438V, G486V.
Identifiers: ClinVar variation 3753905 (VCV003753905.2).

ClinVar aggregate classification (germline): Likely pathogenic (1 of 4 stars; one submission).

Conditions:
Mucopolysaccharidosis, MPS-IV-B (MPS4B). Also called: MORQUIO SYNDROME B; Mucopolysaccharidosis type IV B; Mucopolysaccharidosis Type IVB; Mucopolysaccharidosis type 4B; Mucopolysaccharidosis Type IVB (Morquio B Disease); Mucopolysaccharidosis type IVB (Morquio). Identifiers: Orphanet 309310, Orphanet 582, MedGen C0086652, MONDO:0009660, OMIM 253010.
GM1 gangliosidosis. Identifiers: Orphanet 354, MedGen C0085131, MONDO:0018149.

Submission:

Labcorp Genetics (formerly Invitae), Labcorp
Classification: Likely pathogenic for Mucopolysaccharidosis, MPS-IV-B; GM1 gangliosidosis. Last evaluated: 2024-11-25. Review status: criteria provided, single submitter. Criteria: Invitae Variant Classification Sherloc (09022015). Collection method: clinical testing. Allele origin: germline.
Comment: This sequence change replaces glycine, which is neutral and non-polar, with valine, which is neutral and non-polar, at codon 438 of the GLB1 protein (p.Gly438Val). This variant is not present in population databases (gnomAD no frequency). This variant has not been reported in the literature in individuals affected with GLB1-related conditions. Invitae Evidence Modeling of protein sequence and biophysical properties (such as structural, functional, and spatial information, amino acid conservation, physicochemical variation, residue mobility, and thermodynamic stability) indicates that this missense variant is expected to disrupt GLB1 protein function with a positive predictive value of 95%. This variant disrupts the p.Gly438 amino acid residue in GLB1. Other variant(s) that disrupt this residue have been determined to be pathogenic (PMID: 10841810, 19472408, 21497194, 23831247, 26646981). This suggests that this residue is clinically significant, and that variants that disrupt this residue are likely to be disease-causing. In summary, the currently available evidence indicates that the variant is pathogenic, but additional data are needed to prove that conclusively. Therefore, this variant has been classified as Likely Pathogenic.

Literature cited by the submitters: PubMed 10841810; PubMed 19472408; PubMed 21497194; PubMed 23831247; PubMed 26646981.